The following is an entry in ClinVar:

NM_000096.4(CP):c.2065C>T (p.Pro689Ser)

Gene: CP (ceruloplasmin; minus strand). Cytogenetic location: 3q24.
Variant type: single nucleotide variant.
Coding change: c.2065C>T on transcript NM_000096.4 (MANE Select); coding-DNA position 2065, C replaced by T.
Protein change: p.Pro689Ser; replaces proline 689 with serine.
Molecular consequence: missense variant.
Genome position (GRCh38, 1-based): chr3:149,186,532, G>A on the plus strand (C>T on the coding strand, the complement: CP is on the minus strand). VCF-style: chr3-149186532-G-A. GRCh37 (hg19) VCF-style: chr3-148904319-G-A.
Other names: c.2065C>T (NM_000096.3); short protein forms P689S.
Identifiers: ClinVar variation 1507918 (VCV001507918.7), dbSNP rs200353789, ClinGen allele CA85535237.

ClinVar aggregate classification (germline): Uncertain significance. Review status: criteria provided, multiple submitters, no conflicts (2 of 4 stars). 3 submissions from 3 submitters: Uncertain significance (3). Last evaluated 2024-01-08.

Conditions:
Deficiency of ferroxidase (ACEP). Also called: NEURODEGENERATION WITH BRAIN IRON ACCUMULATION 10; Ceruloplasmin deficiency; Familial apoceruloplasmin deficiency; Hereditary ceruloplasmin deficiency; Aceruloplasminemia; Deficiency of ceruloplasmin. Identifiers: Orphanet 48818, MedGen C0878682, MONDO:0011426, OMIM 604290, HP:0025498.
Inborn genetic diseases. Identifiers: MedGen C0950123, MeSH D030342.

Allele frequency attached by ClinVar (database versions not stated): gnomAD 0.00001 and 0.00002; gnomAD exomes 0.00001 and 0.00004; TOPMed 0.00002; ESP Exome Variant Server 0.00008.
gnomAD v4.1: 71 of 1,613,968 alleles (0.0044%); highest among the groups gnomAD compares: Non-Finnish European, 0.0053%; no homozygotes.

Submissions (3):

GeneDx
Classification: Uncertain significance. Last evaluated: 2024-01-08. Review status: criteria provided, single submitter. Criteria: GeneDx Variant Classification Process June 2021. Collection method: clinical testing. Allele origin: germline. Affected: yes.
Comment: Not observed at significant frequency in large population cohorts (gnomAD); In silico analysis supports that this missense variant has a deleterious effect on protein structure/function; Has not been previously published as pathogenic or benign to our knowledge; Also known as P670S

Labcorp Genetics (formerly Invitae), Labcorp
Classification: Uncertain significance for Deficiency of ferroxidase. Last evaluated: 2023-10-13. Review status: criteria provided, single submitter. Criteria: Invitae Variant Classification Sherloc (09022015). Collection method: clinical testing. Allele origin: germline.
Comment: This sequence change replaces proline, which is neutral and non-polar, with serine, which is neutral and polar, at codon 689 of the CP protein (p.Pro689Ser). This variant is present in population databases (rs200353789, gnomAD 0.0009%). This variant has not been reported in the literature in individuals affected with CP-related conditions. ClinVar contains an entry for this variant (Variation ID: 1507918). Advanced modeling of protein sequence and biophysical properties (such as structural, functional, and spatial information, amino acid conservation, physicochemical variation, residue mobility, and thermodynamic stability) has been performed at Invitae for this missense variant, however the output from this modeling did not meet the statistical confidence thresholds required to predict the impact of this variant on CP protein function. In summary, the available evidence is currently insufficient to determine the role of this variant in disease. Therefore, it has been classified as a Variant of Uncertain Significance.

Ambry Genetics
Classification: Uncertain significance for Inborn genetic diseases. Last evaluated: 2023-09-13. Review status: criteria provided, single submitter. Criteria: Ambry Variant Classification Scheme 2023. Collection method: clinical testing. Allele origin: germline.